The following is an entry in ClinVar:

NM_005188.4(CBL):c.1095+18T>G

Gene: CBL (Cbl proto-oncogene; plus strand). Cytogenetic location: 11q23.3.
Variant type: single nucleotide variant.
Coding change: c.1095+18T>G on transcript NM_005188.4 (MANE Select); 18 bases into the intron after coding-DNA position 1095, T replaced by G.
Molecular consequence: intron variant.
Genome position (GRCh38, 1-based): chr11:119,277,862, T>G. VCF-style: chr11-119277862-T-G. GRCh37 (hg19) VCF-style: chr11-119148572-T-G.
Identifiers: ClinVar variation 136662 (VCV000136662.1), dbSNP rs532317818, ClinGen allele CA289963.

ClinVar aggregate classification (germline): Benign (1 of 4 stars; one submission).

Allele frequency attached by ClinVar (database versions not stated): gnomAD exomes 0.00004; ExAC 0.00010; 1000 Genomes Project 30x 0.00016; 1000 Genomes Project 0.00020; TOPMed 0.00037; gnomAD 0.00051.
gnomAD v4.1: 107 of 1,525,564 alleles (0.007%); highest among the groups gnomAD compares: African/African-American, 0.13%; no homozygotes.

Submission:

GeneDx
Classification: Benign. Last evaluated: 2013-07-31. Review status: criteria provided, single submitter. Criteria: GeneDx Variant Classification (06012015). Collection method: clinical testing. Allele origin: germline. Affected: yes.
Comment: This variant is considered likely benign or benign based on one or more of the following criteria: it is a conservative change, it occurs at a poorly conserved position in the protein, it is predicted to be benign by multiple in silico algorithms, and/or has population frequency not consistent with disease.